The following is an entry in ClinVar:

NM_130466.4(UBE3B):c.2430C>T (p.Ser810=)

Gene: UBE3B (ubiquitin protein ligase E3B; plus strand). Cytogenetic location: 12q24.11.
Variant type: single nucleotide variant.
Coding change: c.2430C>T on transcript NM_130466.4 (MANE Select); coding-DNA position 2430, C replaced by T.
Protein change: p.Ser810=; no amino-acid change (serine 810 retained).
Molecular consequence: synonymous variant.
Genome position (GRCh38, 1-based): chr12:109,524,043, C>T. VCF-style: chr12-109524043-C-T. GRCh37 (hg19) VCF-style: chr12-109961848-C-T.
Other names: c.2430C>T, p.Ser810= (NM_183415.3).
Identifiers: ClinVar variation 702103 (VCV000702103.44), dbSNP rs150971562, ClinGen allele CA6778211.

ClinVar aggregate classification (germline): Benign/Likely benign. Review status: criteria provided, multiple submitters, no conflicts (2 of 4 stars). 4 submissions from 4 submitters: Benign (1); Likely benign (2). 1 of the submissions does not count toward it. Last evaluated 2026-08-01.

Conditions:
UBE3B-related disorder. Also called: UBE3B-related condition.

Allele frequency attached by ClinVar (database versions not stated): 1000 Genomes Project 30x 0.00297; 1000 Genomes Project 0.00319; TOPMed 0.00338; ESP Exome Variant Server 0.00392; gnomAD 0.00409 and 0.00413; ExAC 0.00530.
gnomAD v4.1: 8,930 of 1,614,164 alleles (0.55%); highest among the groups gnomAD compares: South Asian, 0.81%; 33 homozygotes.

Submissions (4):

CeGaT Center for Human Genetics Tuebingen
Classification: Likely benign. Last evaluated: 2026-08-01. Review status: criteria provided, single submitter. Criteria: CeGaT Center For Human Genetics Tuebingen Variant Classification Criteria Version 2. Collection method: clinical testing. Allele origin: germline. Affected: yes. Observed: 31 variant alleles.
Comment: UBE3B: BP4, BP7, BS2

Labcorp Genetics (formerly Invitae), Labcorp
Classification: Benign. Last evaluated: 2026-02-01. Review status: criteria provided, single submitter. Criteria: Invitae Variant Classification Sherloc (09022015). Collection method: clinical testing. Allele origin: germline.

Breakthrough Genomics
Classification: Likely benign. Review status: criteria provided, single submitter. Criteria: ACMG Guidelines, 2015. Collection method: not provided. Allele origin: germline. Inheritance: Autosomal recessive inheritance. Affected: yes.

PreventionGenetics, part of Exact Sciences
Classification: Benign for UBE3B-related condition. Last evaluated: 2019-05-01. Review status: no assertion criteria provided. Collection method: clinical testing. Allele origin: germline. Not counted in ClinVar's aggregate classification.
Comment: This variant is classified as benign based on ACMG/AMP sequence variant interpretation guidelines (Richards et al. 2015 PMID: 25741868, with internal and published modifications).